The following is an entry in ClinVar:

ClinVar aggregate classification (germline): Pathogenic/Likely pathogenic. Review status: criteria provided, multiple submitters, no conflicts (2 of 4 stars). 7 submissions from 7 submitters: Pathogenic (1); Likely pathogenic (6). Last evaluated 2026-04-22.

Conditions:
Usher syndrome type 3A (USH3A). Also called: USHER SYNDROME, TYPE IIIA. Identifiers: MedGen C5779850, MONDO:0010170, OMIM 276902.
Retinitis pigmentosa 61 (RP61). Identifiers: Orphanet 791, MedGen C3280041, MONDO:0013610, OMIM 614180.
Usher syndrome. Also called: Usher Syndromes; Usher's syndrome. Identifiers: Orphanet 886, MedGen CN469326, MeSH D052245, MONDO:0019501. Disease mechanism: loss of function.
Usher syndrome type 3. Also called: Usher Syndrome, Type III. Identifiers: Orphanet 231183, MedGen C1568248, MONDO:0016485.

Allele frequency attached by ClinVar (database versions not stated): TOPMed 0.00003.
gnomAD v4.1: 5 of 1,614,190 alleles (0.00031%); highest among the groups gnomAD compares: Middle Eastern, 0.016%; no homozygotes.

Submissions (7):

GeneDx
Classification: Likely pathogenic. Last evaluated: 2026-04-22. Review status: criteria provided, single submitter. Criteria: GeneDx Variant Classification Process June 2021. Collection method: clinical testing. Allele origin: germline.
Comment: RNA studies demonstrate a damaging effect on splicing (PMID: 38056549); Not observed at significant frequency in large population cohorts (gnomAD); Reported along with a likely pathogenic variant (p.(S50X)) in a patient with Usher syndrome in the published literature; however, allele phase could not be confirmed as segregation information was not provided (PMID: 25356976); This variant is associated with the following publications: (PMID: 38056549, 31964843, 31960602, 25356976)

Labcorp Genetics (formerly Invitae), Labcorp
Classification: Pathogenic. Last evaluated: 2026-01-24. Review status: criteria provided, single submitter. Criteria: Invitae Variant Classification Sherloc (09022015). Collection method: clinical testing. Allele origin: germline.
Comment: This sequence change falls in intron 1 of the CLRN1 gene. It does not directly change the encoded amino acid sequence of the CLRN1 protein. It affects a nucleotide within the consensus splice site. This variant is present in population databases (no rsID available, gnomAD 0.006%). This variant has been observed in individual(s) with Usher syndrome (PMID: 25356976, 31960602). ClinVar contains an entry for this variant (Variation ID: 1706269). Variants that disrupt the consensus splice site are a relatively common cause of aberrant splicing (PMID: 17576681, 9536098). Algorithms developed to predict the effect of sequence changes on RNA splicing suggest that this variant may disrupt the consensus splice site. For these reasons, this variant has been classified as Pathogenic.

Natera, Inc.
Classification: Likely pathogenic for Usher syndrome type 3. Last evaluated: 2026-01-09. Review status: criteria provided, single submitter. Criteria: Natera Variant Classification Schema (03/2026). Collection method: clinical testing. Allele origin: germline.
Comment: The c.253+6T>C variant in CLRN1 is an intronic variant located outside the canonical splice sites. This variant is rare in the general population with a frequency below the threshold expected for the associated phenotype(s). This variant has been observed in one or more individuals affected with the associated recessive disease, as either homozygous or compound heterozygous with a second variant (PMID: 31960602, 25356976). Functional studies show that this variant may disrupt protein function (PMID: 38056549). Computational prediction algorithms indicate this variant is likely to affect gene or protein function. Given the available evidence, this variant is classified as Likely Pathogenic.

Women's Health and Genetics/Laboratory Corporation of America, LabCorp
Classification: Likely pathogenic for Usher syndrome. Last evaluated: 2025-09-05. Review status: criteria provided, single submitter. Criteria: LabCorp Variant Classification Summary - May 2015. Collection method: clinical testing. Allele origin: germline.
Comment: Variant summary: CLRN1 c.253+6T>C alters a conserved nucleotide located close to a canonical splice site and therefore could affect mRNA splicing, leading to a significantly altered protein sequence. Several computational tools predict a significant impact on normal splicing: Two predict the variant weakens a 5' donor site. Two predict the variant no significant impact on splicing. At least one publication reports experimental evidence that this variant affects mRNA splicing (Wang_2024). The variant allele was found at a frequency of 8e-06 in 251328 control chromosomes (gnomAD). c.253+6T>C has been observed in individuals affected with retinitis pigmentosa and inherited retinal dystrophy (Huang_2015, Dan_2020). These data indicate that the variant may be associated with disease. The following publications have been ascertained in the context of this evaluation (PMID: 31960602, 31964843, 25356976, 38056549). ClinVar contains an entry for this variant (Variation ID: 1706269). Based on the evidence outlined above, the variant was classified as likely pathogenic.

Baylor Genetics
Classification: Likely pathogenic for Retinitis pigmentosa 61. Last evaluated: 2024-03-26. Review status: criteria provided, single submitter. Criteria: ACMG Guidelines, 2015. Collection method: clinical testing. Allele origin: unknown.

Fulgent Genetics
Classification: Likely pathogenic for Usher syndrome type 3A; Retinitis pigmentosa 61. Last evaluated: 2024-01-22. Review status: criteria provided, single submitter. Criteria: ACMG Guidelines, 2015. Collection method: clinical testing. Allele origin: germline.

Juno Genomics, Hangzhou Juno Genomics, Inc
Classification: Likely pathogenic for Retinitis pigmentosa 61; Usher syndrome type 3A. Review status: criteria provided, single submitter. Criteria: ACMG Guidelines, 2015. Collection method: clinical testing. Allele origin: germline.
Comment: Absent from controls (or at extremely low frequency if recessive) in Genome Aggregation Database.;Null variant in a gene where loss of function (LOF) is a known mechanism of disease.;For recessive disorders, detected in trans with a pathogenic variant.;Patient's phenotype or family history is highly specific for a disease with a single genetic etiology.

Literature cited by the submitters: PubMed 25356976 (cited by 3 submitters); PubMed 31960602 (cited by 3 submitters); PubMed 17576681 (cited by Labcorp Genetics (formerly Invitae), Labcorp); PubMed 9536098 (cited by Labcorp Genetics (formerly Invitae), Labcorp); PubMed 38056549 (cited by Natera, Inc. and Women's Health and Genetics/Laboratory Corporation of America, LabCorp); PubMed 31964843 (cited by Women's Health and Genetics/Laboratory Corporation of America, LabCorp).

NM_174878.3(CLRN1):c.253+6T>C

Gene: CLRN1 (clarin 1; minus strand). Cytogenetic location: 3q25.1.
Variant type: single nucleotide variant.
Coding change: c.253+6T>C on transcript NM_174878.3 (MANE Select); 6 bases into the intron after coding-DNA position 253, T replaced by C.
Molecular consequence: intron variant.
Genome position (GRCh38, 1-based): chr3:150,972,450, A>G on the plus strand (T>C on the coding strand, the complement: CLRN1 is on the minus strand). VCF-style: chr3-150972450-A-G. GRCh37 (hg19) VCF-style: chr3-150690237-A-G.
Other names: c.253+6T>C (NM_001195794.1, NM_001256819.2, NM_174878.2).
Identifiers: ClinVar variation 1706269 (VCV001706269.15), dbSNP rs1287122500, ClinGen allele CA547369145.
Genomic context (GRCh38, chr3:150,972,450, plus strand): 5'-ATTCCTCGCAACACTGGGAAGAGTCTGCCTAAAGCATTAAATAACTCAAATGCAATTGCT[A>G]CTTACATGAGAACCGAAAGGGCCTTGCTCCCAACCCACACTGCCTCACACCCTCTCCGTG-3'